The following is an entry in ClinVar:

ClinVar aggregate classification (germline): Uncertain significance (1 of 4 stars; one submission).

Submission:

Labcorp Genetics (formerly Invitae), Labcorp
Classification: Uncertain significance. Last evaluated: 2022-08-23. Review status: criteria provided, single submitter. Criteria: Invitae Variant Classification Sherloc (09022015). Collection method: clinical testing. Allele origin: germline.
Comment: In summary, the available evidence is currently insufficient to determine the role of this variant in disease. Therefore, it has been classified as a Variant of Uncertain Significance. Algorithms developed to predict the effect of missense changes on protein structure and function are either unavailable or do not agree on the potential impact of this missense change (SIFT: "Deleterious"; PolyPhen-2: "Not Available"; Align-GVGD: "Class C0"). This variant has not been reported in the literature in individuals affected with PCLO-related conditions. This variant is not present in population databases (gnomAD no frequency). This sequence change replaces serine, which is neutral and polar, with isoleucine, which is neutral and non-polar, at codon 4311 of the PCLO protein (p.Ser4311Ile).

NM_033026.6(PCLO):c.12932G>T (p.Ser4311Ile)

Gene: PCLO (piccolo presynaptic cytomatrix protein; minus strand). Cytogenetic location: 7q21.11.
Variant type: single nucleotide variant.
Coding change: c.12932G>T on transcript NM_033026.6 (MANE Select); coding-DNA position 12932, G replaced by T.
Protein change: p.Ser4311Ile; replaces serine 4311 with isoleucine.
Molecular consequence: missense variant.
Genome position (GRCh38, 1-based): chr7:82,915,054, C>A on the plus strand (G>T on the coding strand, the complement: PCLO is on the minus strand). VCF-style: chr7-82915054-C-A. GRCh37 (hg19) VCF-style: chr7-82544370-C-A.
Other names: c.12932G>T, p.Ser4311Ile (NM_014510.3); short protein forms S4311I.
Identifiers: ClinVar variation 2124966 (VCV002124966.4), dbSNP rs2535546664, ClinGen allele CA367884964.